The following is an entry in ClinVar:

ClinVar aggregate classification (germline): Benign (1 of 4 stars; one submission).

Allele frequency attached by ClinVar (database versions not stated): 1000 Genomes Project 30x 0.44082; TOPMed 0.44322; gnomAD 0.44671 and 0.45166; 1000 Genomes Project 0.45148.
gnomAD v4.1: 68,832 of 152,116 alleles (45%); highest among the groups gnomAD compares: East Asian, 54%; 16,526 homozygotes.

Submission:

GeneDx
Classification: Benign. Last evaluated: 2018-06-15. Review status: criteria provided, single submitter. Criteria: GeneDx Variant Classification (06012015). Collection method: clinical testing. Allele origin: germline. Affected: yes.
Comment: This variant is considered likely benign or benign based on one or more of the following criteria: it is a conservative change, it occurs at a poorly conserved position in the protein, it is predicted to be benign by multiple in silico algorithms, and/or has population frequency not consistent with disease.

NM_001134363.3(RBM20):c.2550+168T>C

Gene: RBM20 (RNA binding motif protein 20; plus strand). Cytogenetic location: 10q25.2.
Variant type: single nucleotide variant.
Coding change: c.2550+168T>C on transcript NM_001134363.3 (MANE Select); 168 bases into the intron after coding-DNA position 2550, T replaced by C.
Molecular consequence: intron variant.
Genome position (GRCh38, 1-based): chr10:110,813,115, T>C. VCF-style: chr10-110813115-T-C. GRCh37 (hg19) VCF-style: chr10-112572873-T-C.
Identifiers: ClinVar variation 671184 (VCV000671184.1), dbSNP rs1832745, ClinGen allele CA13229024.